The following is an entry in ClinVar:

ClinVar aggregate classification (germline): Benign/Likely benign. Review status: criteria provided, multiple submitters, no conflicts (2 of 4 stars). 6 submissions from 6 submitters: Benign (1); Likely benign (4). 1 of the submissions does not count toward it. Last evaluated 2026-03-01.

Conditions:
IER3IP1-related disorder. Also called: IER3IP1-related condition.
Microcephaly, epilepsy, and diabetes syndrome. Identifiers: Orphanet 306558, MedGen C3280240, MONDO:0100328.

Allele frequency attached by ClinVar (database versions not stated): 1000 Genomes Project 30x 0.00172; 1000 Genomes Project 0.00180; gnomAD 0.00184 and 0.00193; TOPMed 0.00220; ESP Exome Variant Server 0.00254; gnomAD exomes 0.00016 and 0.00048; ExAC 0.00054.
gnomAD v4.1: 514 of 1,614,182 alleles (0.032%); highest among the groups gnomAD compares: African/African-American, 0.6%; 3 homozygotes.

Submissions (6):

CeGaT Center for Human Genetics Tuebingen
Classification: Likely benign. Last evaluated: 2026-03-01. Review status: criteria provided, single submitter. Criteria: CeGaT Center For Human Genetics Tuebingen Variant Classification Criteria Version 2. Collection method: clinical testing. Allele origin: germline. Affected: yes. Observed: 1 variant allele.
Comment: IER3IP1: BP4, BP7

Labcorp Genetics (formerly Invitae), Labcorp
Classification: Benign for Microcephaly, epilepsy, and diabetes syndrome. Last evaluated: 2026-01-25. Review status: criteria provided, single submitter. Criteria: Invitae Variant Classification Sherloc (09022015). Collection method: clinical testing. Allele origin: germline.

Blueprint Genetics
Classification: Likely benign. Last evaluated: 2024-10-22. Review status: criteria provided, single submitter. Criteria: ACMG Guidelines, 2015. Collection method: clinical testing. Allele origin: germline.

GeneDx
Classification: Likely benign. Last evaluated: 2019-09-16. Review status: criteria provided, single submitter. Criteria: GeneDx Variant Classification Process June 2021. Collection method: clinical testing. Allele origin: germline. Affected: yes.

Genetic Services Laboratory, University of Chicago
Classification: Likely benign. Last evaluated: 2016-04-14. Review status: criteria provided, single submitter. Criteria: ACMG Guidelines, 2015. Collection method: clinical testing. Allele origin: germline. Affected: no.

PreventionGenetics, part of Exact Sciences
Classification: Likely benign for IER3IP1-related condition. Last evaluated: 2020-03-17. Review status: no assertion criteria provided. Collection method: clinical testing. Allele origin: germline. Not counted in ClinVar's aggregate classification.
Comment: This variant is classified as likely benign based on ACMG/AMP sequence variant interpretation guidelines (Richards et al. 2015 PMID: 25741868, with internal and published modifications).

NM_016097.5(IER3IP1):c.147A>G (p.Lys49=)

Gene: IER3IP1 (immediate early response 3 interacting protein 1; minus strand). Cytogenetic location: 18q21.1.
Variant type: single nucleotide variant.
Coding change: c.147A>G on transcript NM_016097.5 (MANE Select); coding-DNA position 147, A replaced by G.
Protein change: p.Lys49=; no amino-acid change (lysine 49 retained).
Molecular consequence: synonymous variant.
Genome position (GRCh38, 1-based): chr18:47,157,482, T>C on the plus strand (A>G on the coding strand, the complement: IER3IP1 is on the minus strand). VCF-style: chr18-47157482-T-C. GRCh37 (hg19) VCF-style: chr18-44683853-T-C.
Identifiers: ClinVar variation 435491 (VCV000435491.24), dbSNP rs61729777, ClinGen allele CA8955716.
Genomic context (GRCh38, chr18:47,157,482, plus strand): 5'-GCTTTTCTTCTTACCTCTCATCACGGTTCTTACAGATCGAATAAGGTTCATTAGCTGTGA[T>C]TTAATTCCCGGCTCTTCTCCAAATCCACCAATTCCCTGGTCTGTTCCCCAGCCAACTGTA-3'
Protein context (NP_057181.1, residues 39-59): IGGFGEEPGI[Lys49=]SQLMNLIRSV